The following is an entry in ClinVar:

ClinVar aggregate classification (germline): Uncertain significance (1 of 4 stars; one submission).

Submission:

Labcorp Genetics (formerly Invitae), Labcorp
Classification: Uncertain significance. Last evaluated: 2023-09-07. Review status: criteria provided, single submitter. Criteria: Invitae Variant Classification Sherloc (09022015). Collection method: clinical testing. Allele origin: germline.
Comment: In summary, the available evidence is currently insufficient to determine the role of this variant in disease. Therefore, it has been classified as a Variant of Uncertain Significance. An algorithm developed to predict the effect of missense changes on protein structure and function (PolyPhen-2) suggests that this variant is likely to be disruptive. This variant has not been reported in the literature in individuals affected with AUTS2-related conditions. This variant is not present in population databases (gnomAD no frequency). This sequence change replaces glycine, which is neutral and non-polar, with tryptophan, which is neutral and slightly polar, at codon 622 of the AUTS2 protein (p.Gly622Trp).

NM_015570.4(AUTS2):c.1864G>T (p.Gly622Trp)

Gene: AUTS2 (activator of transcription and developmental regulator AUTS2; plus strand). Cytogenetic location: 7q11.22.
Variant type: single nucleotide variant.
Coding change: c.1864G>T on transcript NM_015570.4 (MANE Select); coding-DNA position 1864, G replaced by T.
Protein change: p.Gly622Trp; replaces glycine 622 with tryptophan.
Molecular consequence: missense variant. On other transcripts: intron variant (1).
Genome position (GRCh38, 1-based): chr7:70,774,061, G>T. VCF-style: chr7-70774061-G-T. GRCh37 (hg19) VCF-style: chr7-70239047-G-T.
Other names: c.1831-1296G>T (NM_001127231.3); short protein forms G622W.
Identifiers: ClinVar variation 2757214 (VCV002757214.3), dbSNP rs2484760517, ClinGen allele CA367669531.
Genomic context (GRCh38, chr7:70,774,061, plus strand): 5'-GTAAGCTGTGGTCTAATTAATTTGTAGACATCCAACCCTATCGATGTCGCTGCTCGGCCT[G>T]GGACAGTCCCACACACTTTACTCCAAAAGGACCCGAGGGTACGTGCAAAGTCAGGCTTGG-3'
Protein context (NP_056385.1, residues 612-632): SNPIDVAARP[Gly622Trp]TVPHTLLQKD